The following is an entry in ClinVar:

ClinVar aggregate classification (germline): Likely pathogenic (1 of 4 stars; one submission).

Conditions:
Focal segmental glomerulosclerosis 2 (FSGS2). Identifiers: Orphanet 656, MedGen C1858915, MONDO:0011390, OMIM 603965.

Submission:

Victorian Clinical Genetics Services, Murdoch Childrens Research Institute
Classification: Likely pathogenic for Focal segmental glomerulosclerosis 2. Last evaluated: 2024-10-10. Review status: criteria provided, single submitter. Criteria: ACMG Guidelines, 2015. Collection method: clinical testing. Allele origin: germline. Inheritance: Autosomal dominant inheritance. Affected: yes.
Comment: Based on the classification scheme VCGS_Germline_v1.3.5, this variant is classified as Likely pathogenic. Following criteria are met: 0101 - Gain of function is a known mechanism of disease in this gene and is associated with glomerulosclerosis, focal segmental, 2 (MIM#603965). Reported variants are associated with current amplitude amplification and/or delay of the channel inactivation which results in a gain of function mechanism (PMID: 15879175, PMID: 32509715, PMID: 31266820). (I) 0107 - This gene is associated with autosomal dominant disease. (I) 0205 - Variant is predicted to result in a truncated protein (premature termination codon is NOT located at least 54 nucleotides upstream of the final exon-exon junction) with less than 1/3 of the protein sequence affected. (SP) 0251 - This variant is heterozygous. (I) 0301 - Variant is absent from gnomAD (v2, v3, and v4). (SP) 0602 - Variant is located in a hotspot region or cluster of pathogenic variants. This variant is located in a cluster of pathogenic protein truncating variants (PTCs) and missense variants in the coiled-coil domain (DECIPHER, PMID: 23663351, PMID: 31936014). Dysfunctional coiled-coil assembly due to both missense and truncating variants in mutated TRPC6 disrupts calmodulin bridging which is essential for Ca2+-dependent inactivation (PMID: 31266820). (SP) 0705 - No comparable protein truncating variants have previous evidence for pathogenicity. (I) 0807 - This variant has no previous evidence of pathogenicity. (I) 0905 - No published segregation evidence has been identified for this variant. (I) 1007 - No published functional evidence has been identified for this variant. (I) 1102 - Strong phenotype match for this individual. (SP) 1208 - Inheritance information for this variant is not currently available in this individual. (I) Legend: (SP) - Supporting pathogenic, (I) - Information, (SB) - Supporting benign

Literature cited by the submitters: PubMed 15879175; PubMed 23663351; PubMed 31266820; PubMed 31936014; PubMed 32509715.

NM_004621.6(TRPC6):c.2665del (p.Gln889fs)

Gene: TRPC6 (transient receptor potential cation channel subfamily C member 6; minus strand). Cytogenetic location: 11q22.1.
Variant type: Deletion.
Coding change: c.2665del on transcript NM_004621.6 (MANE Select); coding-DNA position 2665, one base deleted (C; older notation c.2665delC).
Protein change: p.Gln889fs; shifts the reading frame from glutamine 889.
Molecular consequence: frameshift variant.
Genome position (GRCh38, 1-based): chr11:101,453,086, G deleted on the plus strand (C on the coding strand, the reverse complement: TRPC6 is on the minus strand). VCF-style (leftmost placement, unchanged base first): chr11-101453085-TG-T. GRCh37 (hg19) VCF-style: chr11-101323816-TG-T.
Other names: short protein forms Q889fs.
Identifiers: ClinVar variation 3377201 (VCV003377201.1).